The following is an entry in ClinVar:

NM_000268.4(NF2):c.1056G>A (p.Thr352=)

Gene: NF2 (NF2, moesin-ezrin-radixin like (MERLIN) tumor suppressor; plus strand). Cytogenetic location: 22q12.2.
Variant type: single nucleotide variant.
Coding change: c.1056G>A on transcript NM_000268.4 (MANE Select); coding-DNA position 1056, G replaced by A.
Protein change: p.Thr352=; no amino-acid change (threonine 352 retained).
Molecular consequence: synonymous variant. On other transcripts: non-coding transcript variant (1), intron variant (1).
Genome position (GRCh38, 1-based): chr22:29,671,882, G>A. VCF-style: chr22-29671882-G-A. GRCh37 (hg19) VCF-style: chr22-30067871-G-A.
Other names: c.1056G>A, p.Thr352= (NM_016418.5, NM_181825.3, NM_181832.3); c.930G>A, p.Thr310= (NM_181828.3); c.933G>A, p.Thr311= (NM_181829.3); c.807G>A, p.Thr269= (NM_181830.3, NM_181831.3); c.448-22870G>A (NM_181833.3); c.1056G>A (NM_181832.2).
Identifiers: ClinVar variation 527720 (VCV000527720.20), dbSNP rs145427713, ClinGen allele CA036724.

ClinVar aggregate classification (germline): Likely benign. Review status: criteria provided, multiple submitters, no conflicts (2 of 4 stars). 5 submissions from 5 submitters: Likely benign (4). 1 of the submissions does not count toward it. Last evaluated 2025-12-22.

Conditions:
Hereditary cancer-predisposing syndrome. Also called: Hereditary neoplastic syndrome; Tumor predisposition; Neoplastic Syndromes, Hereditary; Hereditary Cancer Syndrome. Identifiers: Orphanet 140162, MedGen C0027672, MeSH D009386, MONDO:0015356.
NF2-related disorder. Also called: NF2-related condition.
Neurofibromatosis, type 2 (SWNV). Also called: SCHWANNOMATOSIS, VESTIBULAR; NF2-Related Schwannomatosis; BILATERAL ACOUSTIC NEUROFIBROMATOSIS. Identifiers: Orphanet 637, MedGen C0027832, MONDO:0007039, OMIM 101000. Disease mechanism: loss of function.

Allele frequency attached by ClinVar (database versions not stated): gnomAD 0.00001; TOPMed 0.00002; ESP Exome Variant Server 0.00008; gnomAD exomes 0.00008.
gnomAD v4.1: 123 of 1,614,036 alleles (0.0076%); highest among the groups gnomAD compares: Non-Finnish European, 0.0092%; no homozygotes.

Submissions (5):

Labcorp Genetics (formerly Invitae), Labcorp
Classification: Likely benign for Neurofibromatosis, type 2. Last evaluated: 2025-12-22. Review status: criteria provided, single submitter. Criteria: Invitae Variant Classification Sherloc (09022015). Collection method: clinical testing. Allele origin: germline.

Blueprint Genetics
Classification: Likely benign. Last evaluated: 2024-05-09. Review status: criteria provided, single submitter. Criteria: ACMG Guidelines, 2015. Collection method: clinical testing. Allele origin: germline.

Color Diagnostics, LLC DBA Color Health
Classification: Likely benign for Neurofibromatosis, type 2. Last evaluated: 2022-11-06. Review status: criteria provided, single submitter. Criteria: ACMG Guidelines, 2015. Collection method: clinical testing. Allele origin: germline.

Ambry Genetics
Classification: Likely benign for Hereditary cancer-predisposing syndrome. Last evaluated: 2018-06-08. Review status: criteria provided, single submitter. Criteria: Ambry Variant Classification Scheme 2023. Collection method: clinical testing. Allele origin: germline.

PreventionGenetics, part of Exact Sciences
Classification: Likely benign for NF2-related condition. Last evaluated: 2022-05-16. Review status: no assertion criteria provided. Collection method: clinical testing. Allele origin: germline. Not counted in ClinVar's aggregate classification.
Comment: This variant is classified as likely benign based on ACMG/AMP sequence variant interpretation guidelines (Richards et al. 2015 PMID: 25741868, with internal and published modifications).